The following is an entry in ClinVar:

NM_001379270.1(CNGA1):c.1036G>A (p.Val346Ile)

Genes: CNGA1 (cyclic nucleotide gated channel subunit alpha 1; minus strand), LOC101927157 (uncharacterized LOC101927157; plus strand). Cytogenetic location: 4p12.
Variant type: single nucleotide variant.
Coding change: c.1036G>A on transcript NM_001379270.1 (MANE Select); coding-DNA position 1036, G replaced by A.
Protein change: p.Val346Ile; replaces valine 346 with isoleucine.
Molecular consequence: missense variant.
Genome position (GRCh38, 1-based): chr4:47,937,446, C>T on the plus strand (G>A on the coding strand, the complement: CNGA1 is on the minus strand). VCF-style: chr4-47937446-C-T. GRCh37 (hg19) VCF-style: chr4-47939463-C-T.
Other names: c.1036G>A, p.Val346Ile (NM_000087.5, NM_001142564.2); short protein forms V346I.
Identifiers: ClinVar variation 937201 (VCV000937201.10), dbSNP rs376177601, ClinGen allele CA2911147.

ClinVar aggregate classification (germline): Uncertain significance. Review status: criteria provided, multiple submitters, no conflicts (2 of 4 stars). 2 submissions from 2 submitters: Uncertain significance (2). Last evaluated 2024-09-12.

Conditions:
Inborn genetic diseases. Identifiers: MedGen C0950123, MeSH D030342.

Allele frequency attached by ClinVar (database versions not stated): gnomAD exomes 0.00001; ExAC 0.00002; gnomAD 0.00002; TOPMed 0.00004; ESP Exome Variant Server 0.00008.

Submissions (2):

Ambry Genetics
Classification: Uncertain significance for Inborn genetic diseases. Last evaluated: 2024-09-12. Review status: criteria provided, single submitter. Criteria: Ambry Variant Classification Scheme 2023. Collection method: clinical testing. Allele origin: germline.

Labcorp Genetics (formerly Invitae), Labcorp
Classification: Uncertain significance. Last evaluated: 2022-11-01. Review status: criteria provided, single submitter. Criteria: Invitae Variant Classification Sherloc (09022015). Collection method: clinical testing. Allele origin: germline.
Comment: In summary, the available evidence is currently insufficient to determine the role of this variant in disease. Therefore, it has been classified as a Variant of Uncertain Significance. Algorithms developed to predict the effect of missense changes on protein structure and function are either unavailable or do not agree on the potential impact of this missense change (SIFT: "Tolerated"; PolyPhen-2: "Possibly Damaging"; Align-GVGD: "Class C0"). ClinVar contains an entry for this variant (Variation ID: 937201). This variant has not been reported in the literature in individuals affected with CNGA1-related conditions. This variant is present in population databases (rs376177601, gnomAD 0.003%). This sequence change replaces valine, which is neutral and non-polar, with isoleucine, which is neutral and non-polar, at codon 350 of the CNGA1 protein (p.Val350Ile).